The following is an entry in ClinVar:

ClinVar aggregate classification (germline): Uncertain significance (1 of 4 stars; one submission).

Conditions:
BMP4-related disorder. Also called: BMP4-related condition.

Submission:

PreventionGenetics, part of Exact Sciences
Classification: Uncertain significance for BMP4-related condition. Last evaluated: 2025-08-01. Review status: criteria provided, single submitter. Criteria: ACMG Guidelines, 2015. Collection method: clinical testing. Allele origin: germline.
Comment: The BMP4 c.875G>A variant is predicted to result in the amino acid substitution p.Arg292His. To our knowledge, this variant has not been reported in the literature. This variant is reported in 0.0029% of alleles in individuals of Latino descent in gnomAD. At this time, the clinical significance of this variant is uncertain due to the absence of conclusive functional and genetic evidence.

NM_001202.6(BMP4):c.875G>A (p.Arg292His)

Gene: BMP4 (bone morphogenetic protein 4; minus strand). Cytogenetic location: 14q22.2.
Variant type: single nucleotide variant.
Coding change: c.875G>A on transcript NM_001202.6 (MANE Select); coding-DNA position 875, G replaced by A.
Protein change: p.Arg292His; replaces arginine 292 with histidine.
Molecular consequence: missense variant.
Genome position (GRCh38, 1-based): chr14:53,950,384, C>T on the plus strand (G>A on the coding strand, the complement: BMP4 is on the minus strand). VCF-style: chr14-53950384-C-T. GRCh37 (hg19) VCF-style: chr14-54417102-C-T.
Other names: c.1016G>A, p.Arg339His (NM_001347912.1); c.686G>A, p.Arg229His (NM_001347913.2, NM_001347915.2, NM_001347917.1); c.875G>A, p.Arg292His (NM_001347914.2, NM_001347916.1, NM_130850.5 and 1 more transcripts); short protein forms R339H, R292H, R229H.
Identifiers: ClinVar variation 4981027 (VCV004981027.1).